The following is an entry in ClinVar:

ClinVar aggregate classification (germline): Uncertain significance. Review status: criteria provided, multiple submitters, no conflicts (2 of 4 stars). 5 submissions from 5 submitters: Uncertain significance (5). Last evaluated 2026-01-05.

Conditions:
Renal hypomagnesemia 4. Also called: HYPOMAGNESEMIA, RENAL, NORMOCALCIURIC. Identifiers: Orphanet 34527, MedGen C2673648, MONDO:0012717, OMIM 611718.

Allele frequency attached by ClinVar (database versions not stated): ExAC 0.00036; TOPMed 0.00037; gnomAD exomes 0.00038 and 0.00062; gnomAD 0.00040 and 0.00041; ESP Exome Variant Server 0.00077.
gnomAD v4.1: 946 of 1,613,772 alleles (0.059%); highest among the groups gnomAD compares: Non-Finnish European, 0.071%; no homozygotes.

Submissions (5):

Labcorp Genetics (formerly Invitae), Labcorp
Classification: Uncertain significance. Last evaluated: 2026-01-05. Review status: criteria provided, single submitter. Criteria: Invitae Variant Classification Sherloc (09022015). Collection method: clinical testing. Allele origin: germline.
Comment: This sequence change replaces aspartic acid, which is acidic and polar, with glutamic acid, which is acidic and polar, at codon 472 of the EGF protein (p.Asp472Glu). This variant is present in population databases (rs149448320, gnomAD 0.06%), and has an allele count higher than expected for a pathogenic variant. This variant has not been reported in the literature in individuals affected with EGF-related conditions. ClinVar contains an entry for this variant (Variation ID: 901702). An algorithm developed to predict the effect of missense changes on protein structure and function (PolyPhen-2) suggests that this variant is likely to be disruptive. In summary, the available evidence is currently insufficient to determine the role of this variant in disease. Therefore, it has been classified as a Variant of Uncertain Significance.

Ambry Genetics
Classification: Uncertain significance. Last evaluated: 2025-03-27. Review status: criteria provided, single submitter. Criteria: Ambry Variant Classification Scheme 2023. Collection method: clinical testing. Allele origin: germline.

Fulgent Genetics
Classification: Uncertain significance for Renal hypomagnesemia 4. Last evaluated: 2021-12-06. Review status: criteria provided, single submitter. Criteria: ACMG Guidelines, 2015. Collection method: clinical testing. Allele origin: unknown.

Illumina Laboratory Services, Illumina
Classification: Uncertain significance for Renal hypomagnesemia 4. Last evaluated: 2017-04-27. Review status: criteria provided, single submitter. Criteria: ICSL Variant Classification Criteria 13 December 2019. Collection method: clinical testing. Allele origin: germline.

Breakthrough Genomics
Classification: Uncertain significance. Review status: criteria provided, single submitter. Criteria: ACMG Guidelines, 2015. Collection method: not provided. Allele origin: germline. Inheritance: Autosomal recessive inheritance. Affected: yes.

NM_001963.6(EGF):c.1416T>A (p.Asp472Glu)

Gene: EGF (epidermal growth factor; plus strand). Cytogenetic location: 4q25.
Variant type: single nucleotide variant.
Coding change: c.1416T>A on transcript NM_001963.6 (MANE Select); coding-DNA position 1416, T replaced by A.
Protein change: p.Asp472Glu; replaces aspartic acid 472 with glutamic acid.
Molecular consequence: missense variant.
Genome position (GRCh38, 1-based): chr4:109,963,276, T>A. VCF-style: chr4-109963276-T-A. GRCh37 (hg19) VCF-style: chr4-110884432-T-A.
Other names: c.1416T>A, p.Asp472Glu (NM_001178130.3); c.1290T>A, p.Asp430Glu (NM_001178131.3, NM_001357021.2); short protein forms D430E, D472E.
Identifiers: ClinVar variation 901702 (VCV000901702.11), dbSNP rs149448320, ClinGen allele CA3043670.